The following is an entry in ClinVar:

NM_004655.4(AXIN2):c.1469C>T (p.Ala490Val)

Gene: AXIN2 (axin 2; minus strand). Cytogenetic location: 17q24.1.
Variant type: single nucleotide variant.
Coding change: c.1469C>T on transcript NM_004655.4 (MANE Select); coding-DNA position 1469, C replaced by T.
Protein change: p.Ala490Val; replaces alanine 490 with valine.
Molecular consequence: missense variant.
Genome position (GRCh38, 1-based): chr17:65,537,567, G>A on the plus strand (C>T on the coding strand, the complement: AXIN2 is on the minus strand). VCF-style: chr17-65537567-G-A. GRCh37 (hg19) VCF-style: chr17-63533685-G-A.
Other names: c.1469C>T, p.Ala490Val (NM_001363813.1); c.1469C>T (LRG_296t1); short protein forms A490V.
Identifiers: ClinVar variation 533219 (VCV000533219.15), dbSNP rs1242238043, ClinGen allele CA400677436.
Genomic context (GRCh38, chr17:65,537,567, plus strand): 5'-GTCTGCTTGGTCACAAAGCCTTTGCCCCCGAGGAGGGGGCAGGCGCCCGGCGAGGCGGCC[G>A]CGGGAGGCAGCTTGCCACCGGGCGGGAGCAGGGAGTGGTACTGCGAATGGTGGTGGTGGT-3'
Protein context (NP_004646.3, residues 480-500): LLPPGGKLPP[Ala490Val]AASPGACPLL

ClinVar aggregate classification (germline): Uncertain significance. Review status: criteria provided, multiple submitters, no conflicts (2 of 4 stars). 3 submissions from 3 submitters: Uncertain significance (3). Last evaluated 2025-12-19.

Conditions:
Hereditary cancer-predisposing syndrome. Also called: Hereditary neoplastic syndrome; Neoplastic Syndromes, Hereditary; Tumor predisposition; Hereditary Cancer Syndrome. Identifiers: Orphanet 140162, MedGen C0027672, MeSH D009386, MONDO:0015356.
Oligodontia-cancer predisposition syndrome. Also called: TOOTH AGENESIS-COLORECTAL CANCER SYNDROME. Identifiers: Orphanet 300576, MedGen C1837750, MONDO:0012075, OMIM 608615. Disease mechanism: loss of function.

Allele frequency attached by ClinVar (database versions not stated): gnomAD exomes below 0.00001 and 0.00002; gnomAD 0.00001; TOPMed 0.00002.
gnomAD v4.1: 27 of 1,610,278 alleles (0.0017%); highest among the groups gnomAD compares: South Asian, 0.0044%; no homozygotes.

Submissions (3):

Labcorp Genetics (formerly Invitae), Labcorp
Classification: Uncertain significance for Oligodontia-cancer predisposition syndrome. Last evaluated: 2025-12-19. Review status: criteria provided, single submitter. Criteria: Invitae Variant Classification Sherloc (09022015). Collection method: clinical testing. Allele origin: germline.
Comment: This sequence change replaces alanine, which is neutral and non-polar, with valine, which is neutral and non-polar, at codon 490 of the AXIN2 protein (p.Ala490Val). The frequency data for this variant in the population databases is considered unreliable, as metrics indicate poor data quality at this position in the gnomAD database. This variant has not been reported in the literature in individuals affected with AXIN2-related conditions. ClinVar contains an entry for this variant (Variation ID: 533219). Invitae Evidence Modeling of protein sequence and biophysical properties (such as structural, functional, and spatial information, amino acid conservation, physicochemical variation, residue mobility, and thermodynamic stability) indicates that this missense variant is not expected to disrupt AXIN2 protein function with a negative predictive value of 80%. In summary, the available evidence is currently insufficient to determine the role of this variant in disease. Therefore, it has been classified as a Variant of Uncertain Significance.

Ambry Genetics
Classification: Uncertain significance for Hereditary cancer-predisposing syndrome. Last evaluated: 2024-03-12. Review status: criteria provided, single submitter. Criteria: Ambry Variant Classification Scheme 2023. Collection method: clinical testing. Allele origin: germline.
Comment: The p.A490V variant (also known as c.1469C>T), located in coding exon 5 of the AXIN2 gene, results from a C to T substitution at nucleotide position 1469. The alanine at codon 490 is replaced by valine, an amino acid with similar properties. This amino acid position is not well conserved in available vertebrate species. In addition, this alteration is predicted to be tolerated by in silico analysis. Since supporting evidence is limited at this time, the clinical significance of this alteration remains unclear.

GeneDx
Classification: Uncertain significance. Last evaluated: 2023-10-18. Review status: criteria provided, single submitter. Criteria: GeneDx Variant Classification Process June 2021. Collection method: clinical testing. Allele origin: germline. Affected: yes.
Comment: Not observed at significant frequency in large population cohorts (gnomAD); In silico analysis supports that this missense variant does not alter protein structure/function; Has not been previously published as pathogenic or benign to our knowledge